The following is an entry in ClinVar:

ClinVar aggregate classification (germline): Likely pathogenic (1 of 4 stars; one submission).

Conditions:
Hereditary spastic paraplegia 39 (SPG39). Also called: SPASTIC PARAPLEGIA 39, AUTOSOMAL RECESSIVE; Spastic Paraplegia Type 39 (SPG39). Identifiers: Orphanet 139480, MedGen C2677586, MONDO:0012787, OMIM 612020.

gnomAD v4.1: 2 of 1,580,358 alleles (0.00013%); highest among the groups gnomAD compares: South Asian, 0.0011%; no homozygotes.

Submission:

Labcorp Genetics (formerly Invitae), Labcorp
Classification: Likely pathogenic for Hereditary spastic paraplegia 39. Last evaluated: 2025-11-17. Review status: criteria provided, single submitter. Criteria: Invitae Variant Classification Sherloc (09022015). Collection method: clinical testing. Allele origin: germline.
Comment: This sequence change affects an acceptor splice site in intron 3 of the PNPLA6 gene. It is expected to disrupt RNA splicing. Variants that disrupt the donor or acceptor splice site typically lead to a loss of protein function (PMID: 16199547), and loss-of-function variants in PNPLA6 are known to be pathogenic (PMID: 24355708). This variant is not present in population databases (gnomAD no frequency). This variant has not been reported in the literature in individuals affected with PNPLA6-related conditions. Algorithms developed to predict the effect of sequence changes on RNA splicing suggest that this variant may disrupt the consensus splice site. In summary, the currently available evidence indicates that the variant is pathogenic, but additional data are needed to prove that conclusively. Therefore, this variant has been classified as Likely Pathogenic.

Literature cited by the submitters: PubMed 16199547; PubMed 24355708.

NM_001166114.2(PNPLA6):c.143A>G (p.Gln48Arg)

Gene: PNPLA6 (patatin like domain 6, lysophospholipase; plus strand). Cytogenetic location: 19p13.2.
Variant type: single nucleotide variant.
Coding change: c.143A>G on transcript NM_001166114.2 (MANE Select); coding-DNA position 143, A replaced by G.
Protein change: p.Gln48Arg; replaces glutamine 48 with arginine.
Molecular consequence: missense variant. On other transcripts: splice acceptor variant (3).
Genome position (GRCh38, 1-based): chr19:7,535,931, A>G. VCF-style: chr19-7535931-A-G. GRCh37 (hg19) VCF-style: chr19-7600817-A-G.
Other names: c.170A>G, p.Gln57Arg (NM_001166111.2); c.28-2A>G (NM_006702.5, NM_001166112.2, NM_001166113.1); short protein forms Q48R, Q57R.
Identifiers: ClinVar variation 4738861 (VCV004738861.1).